The following is an entry in ClinVar:

NM_001370658.1(BTD):c.1292G>A (p.Gly431Asp)

Gene: BTD (biotinidase; plus strand). Cytogenetic location: 3p25.1.
Variant type: single nucleotide variant.
Coding change: c.1292G>A on transcript NM_001370658.1 (MANE Select); coding-DNA position 1292, G replaced by A.
Protein change: p.Gly431Asp; replaces glycine 431 with aspartic acid.
Molecular consequence: missense variant. On other transcripts: intron variant (2).
Genome position (GRCh38, 1-based): chr3:15,645,208, G>A. VCF-style: chr3-15645208-G-A. GRCh37 (hg19) VCF-style: chr3-15686715-G-A.
Other names: c.1292G>A, p.Gly431Asp (NM_001407377.1, NM_001407378.1, NM_001281723.4 and 16 more transcripts); c.1015+277G>A (NM_001370752.1); c.399+3151G>A (NM_001370753.1); c.1352G>A, p.Gly451Asp (NM_000060.4); short protein forms G431D.
Identifiers: ClinVar variation 2203321 (VCV002203321.5), dbSNP rs397514419, ClinGen allele CA278334.
Genomic context (GRCh38, chr3:15,645,208, plus strand): 5'-CCACCTTATCCAAAGAGCTGTATGCCCTGGGGGTCTTTGATGGGCTTCACACAGTACATG[G>A]CACTTACTACATCCAAGTGTGTGCCCTGGTCAGGTGTGGGGGTCTTGGCTTCGACACCTG-3'
Protein context (NP_001357587.1, residues 421-441): GVFDGLHTVH[Gly431Asp]TYYIQVCALV

ClinVar aggregate classification (germline): Uncertain significance. Review status: criteria provided, multiple submitters, no conflicts (2 of 4 stars). 2 submissions from 2 submitters: Uncertain significance (2). Last evaluated 2023-07-28.

Conditions:
Biotinidase deficiency. Also called: BTD deficiency; Late-onset biotin-responsive multiple carboxylase deficiency; Biotin deficiency. Identifiers: Orphanet 79241, MedGen C0220754, MONDO:0009665, OMIM 253260.

Allele frequency attached by ClinVar (database versions not stated): gnomAD exomes 0.00001; ExAC 0.00002.
gnomAD v4.1: 3 of 1,614,182 alleles (0.00019%); highest among the groups gnomAD compares: South Asian, 0.0033%; no homozygotes.

Submissions (2):

Women's Health and Genetics/Laboratory Corporation of America, LabCorp
Classification: Uncertain significance. Last evaluated: 2023-07-28. Review status: criteria provided, single submitter. Criteria: LabCorp Variant Classification Summary - May 2015. Collection method: clinical testing. Allele origin: germline.
Comment: Variant summary: BTD c.1292G>A (p.Gly431Asp) results in a non-conservative amino acid change located in the C-terminal domain (IPR043957) of the encoded protein sequence. Four of five in-silico tools predict a damaging effect of the variant on protein function. The variant allele was found at a frequency of 8e-06 in 251428 control chromosomes (i.e., 2 heterozygotes; gnomAD v2.1 Exomes dataset). The available data on variant occurrences in the general population are insufficient to allow any conclusion about variant significance. c.1292G>A has been reported in the literature in individuals affected with Biotinidase Deficiency (e.g., Swango_1998, Lindau-Shepard_2012, Gannavarapu_2015). These data indicate that the variant may be associated with disease. To our knowledge, no experimental evidence demonstrating an impact on protein function has been reported. The following publications have been ascertained in the context of this evaluation (PMID: 26361991, 27625817, 9654207). One submitter has reported clinical-significance assessments for this variant to ClinVar after 2014 and has classified the variant as uncertain significance. Based on the evidence outlined above, the variant was classified as VUS-possibly pathogenic.

Labcorp Genetics (formerly Invitae), Labcorp
Classification: Uncertain significance for Biotinidase deficiency. Last evaluated: 2022-08-19. Review status: criteria provided, single submitter. Criteria: Invitae Variant Classification Sherloc (09022015). Collection method: clinical testing. Allele origin: germline.
Comment: This sequence change replaces glycine, which is neutral and non-polar, with aspartic acid, which is acidic and polar, at codon 451 of the BTD protein (p.Gly451Asp). This variant is present in population databases (rs397514419, gnomAD 0.006%). This missense change has been observed in individual(s) with clinical features of biotinidase deficiency (PMID: 9654207, 26361991). Algorithms developed to predict the effect of missense changes on protein structure and function are either unavailable or do not agree on the potential impact of this missense change (SIFT: "Tolerated"; PolyPhen-2: "Possibly Damaging"; Align-GVGD: "Class C0"). In summary, the available evidence is currently insufficient to determine the role of this variant in disease. Therefore, it has been classified as a Variant of Uncertain Significance.

Literature cited by the submitters: PubMed 9654207 (cited by Women's Health and Genetics/Laboratory Corporation of America, LabCorp and Labcorp Genetics (formerly Invitae), Labcorp); PubMed 26361991 (cited by Women's Health and Genetics/Laboratory Corporation of America, LabCorp and Labcorp Genetics (formerly Invitae), Labcorp); PubMed 27625817 (cited by Women's Health and Genetics/Laboratory Corporation of America, LabCorp).